The following is an entry in ClinVar:

ClinVar aggregate classification (germline): Likely pathogenic (1 of 4 stars; one submission).

Conditions:
Cystic fibrosis (CF). Also called: MUCOVISCIDOSIS. Identifiers: Orphanet 586, MedGen C0010674, MONDO:0009061, OMIM 219700. Disease mechanism: loss of function.

Submission:

Ambry Genetics
Classification: Likely pathogenic for Cystic fibrosis. Last evaluated: 2025-10-07. Review status: criteria provided, single submitter. Criteria: Ambry Variant Classification Scheme 2023. Collection method: clinical testing. Allele origin: germline.
Comment: The c.3281_3367+268del355insTGTAA variant results from a deletion of 355 nucleotides and insertion of 5 nucleotides at positions c.3281 to c.3367+268 and involves the canonical splice donor site after coding exon 20 of the CFTR gene. The canonical splice donor site is highly conserved in available vertebrate species. In silico splice site analysis predicts that this alteration will weaken the native splice donor site. A resulting transcript is predicted to be in-frame and is not expected to trigger nonsense-mediated mRNA decay; although, direct evidence is unavailable. However, a significant portion of the protein is predicted to be impacted and the region predicted to be impacted is critical for protein function (Ambry internal data). This variant is considered to be rare based on population cohorts in the Genome Aggregation Database (gnomAD). As such, this alteration is classified as likely pathogenic.

NM_000492.4(CFTR):c.3281_3367+268delinsTGTAA

Genes: CFTR (CF transmembrane conductance regulator; plus strand), CFTR-AS2 (CFTR antisense RNA 2; minus strand), LOC111674472 (DNase I hypersensitive sites in introns 16 and 17a of CFTR; plus strand). Cytogenetic location: 7q31.2.
Variant type: Indel.
Coding change: c.3281_3367+268delinsTGTAA on transcript NM_000492.4 (MANE Select); coding-DNA position 3281 through 268 bases into the intron after coding-DNA position 3367, the reference bases replaced by TGTAA.
Molecular consequence: splice donor variant.
Genome position (GRCh38, 1-based): chr7:117,611,722-117,612,076, 355 bases replaced. GRCh37 (hg19): chr7:117,251,776-117,252,130.
Identifiers: ClinVar variation 4647814 (VCV004647814.1).